The following is an entry in ClinVar:

ClinVar aggregate classification (germline): Benign/Likely benign. Review status: criteria provided, multiple submitters, no conflicts (2 of 4 stars). 3 submissions from 3 submitters: Benign (1); Likely benign (2). Last evaluated 2024-05-14.

Conditions:
Hereditary breast ovarian cancer syndrome. Also called: Hereditary breast and ovarian cancer syndrome; Breast and ovarian cancer; Hereditary breast and ovarian cancer syndrome (HBOC); Hereditary breast and/or ovarian cancer syndrome; BRCA1- and BRCA2-Associated Hereditary Breast and Ovarian Cancer; Hereditary breast and ovarian cancer. Identifiers: Orphanet 145, MedGen C0677776, MeSH D061325, MONDO:0003582. Disease mechanism: loss of function.

Allele frequency attached by ClinVar (database versions not stated): ExAC 0.00001.
gnomAD v4.1: 10 of 1,611,438 alleles (0.00062%); highest among the groups gnomAD compares: Non-Finnish European, 0.00017%; no homozygotes.

Submissions (4):

Labcorp Genetics (formerly Invitae), Labcorp
Classification: Likely benign for Hereditary breast ovarian cancer syndrome. Last evaluated: 2024-05-14. Review status: criteria provided, single submitter. Criteria: Invitae Variant Classification Sherloc (09022015). Collection method: clinical testing. Allele origin: germline.

Blueprint Genetics
Classification: Likely benign. Last evaluated: 2022-03-22. Review status: criteria provided, single submitter. Criteria: ACMG Guidelines, 2015. Collection method: clinical testing. Allele origin: germline.

GeneDx
Classification: Benign. Last evaluated: 2015-06-01. Review status: criteria provided, single submitter. Criteria: GeneDx Variant Classification (06012015). Collection method: clinical testing. Allele origin: germline. Affected: yes.
Comment: This variant is considered likely benign or benign based on one or more of the following criteria: it is a conservative change, it occurs at a poorly conserved position in the protein, it is predicted to be benign by multiple in silico algorithms, and/or has population frequency not consistent with disease.

Brotman Baty Institute, University of Washington
No classification provided (evidence only). Condition: Breast-ovarian cancer, familial 1. Review status: no classification provided. Collection method: in vitro. Allele origin: not applicable. Functional consequence: functionally_normal. Not counted in ClinVar's aggregate classification.
ClinVar note: "not provided" was previously submitted as the classification for the variant. However, the classification appeared to be based only on an observation of functional data so it was converted to no classification on 2025-07-30.

NM_007294.4(BRCA1):c.5332+19C>T

Gene: BRCA1 (BRCA1 DNA repair associated; minus strand). Cytogenetic location: 17q21.31.
Variant type: single nucleotide variant.
Coding change: c.5332+19C>T on transcript NM_007294.4 (MANE Select); 19 bases into the intron after coding-DNA position 5332, C replaced by T.
Molecular consequence: intron variant.
Genome position (GRCh38, 1-based): chr17:43,051,044, G>A on the plus strand (C>T on the coding strand, the complement: BRCA1 is on the minus strand). VCF-style: chr17-43051044-G-A. GRCh37 (hg19) VCF-style: chr17-41203061-G-A.
Other names: c.1879+19C>T (NM_001408458.1, NM_001408461.1, NM_001408464.1 and 7 more transcripts); c.4441+19C>T (NM_001407967.1); c.4951+19C>T (NM_001407959.1); c.5065+19C>T (NM_001407931.1, NM_001407932.1, NM_001407928.1 and 4 more transcripts); c.5188+19C>T (NM_001407747.1, NM_001407745.1, NM_001407737.1 and 21 more transcripts); c.4948+19C>T (NM_001407962.1, NM_001407960.1); c.1519+19C>T (NM_001408512.1); c.1642+19C>T (NM_001408510.1); and 74 more.
Identifiers: ClinVar variation 377574 (VCV000377574.16), dbSNP rs774813458, ClinGen allele CA054507.